The following is an entry in ClinVar:

NM_000384.3(APOB):c.9803C>T (p.Ser3268Leu)

Gene: APOB (apolipoprotein B; minus strand). Cytogenetic location: 2p24.1.
Variant type: single nucleotide variant.
Coding change: c.9803C>T on transcript NM_000384.3 (MANE Select); coding-DNA position 9803, C replaced by T.
Protein change: p.Ser3268Leu; replaces serine 3268 with leucine.
Molecular consequence: missense variant.
Genome position (GRCh38, 1-based): chr2:21,007,065, G>A on the plus strand (C>T on the coding strand, the complement: APOB is on the minus strand). VCF-style: chr2-21007065-G-A. GRCh37 (hg19) VCF-style: chr2-21229937-G-A.
Other names: short protein forms S3268L.
Identifiers: ClinVar variation 925612 (VCV000925612.9), dbSNP rs755753053, ClinGen allele CA066850.

ClinVar aggregate classification (germline): Conflicting classifications of pathogenicity. Review status: criteria provided, conflicting classifications (1 of 4 stars). 3 submissions from 3 submitters: Uncertain significance (1); Likely benign (2). Last evaluated 2024-10-22.

Conditions:
Familial hypobetalipoproteinemia 1. Also called: Hypobetalipoproteinemia, normotriglyceridemic; Acanthocytosis with hypobetalipoproteinemia; APOB-Related Familial Hypobetalipoproteinemia. Identifiers: MedGen C4551990, MONDO:0014252, OMIM 615558.
Hypercholesterolemia, autosomal dominant, type B (FHCL2). Also called: Familial Hypercholesterolemia Type B; HYPERCHOLESTEROLEMIA, FAMILIAL, DUE TO LIGAND-DEFECTIVE APOLIPOPROTEIN B; Familial hypercholesterolemia 2; APOB-Related Familial Hypercholesterolemia, Autosomal Dominant; APOLIPOPROTEIN B-100, FAMILIAL DEFECTIVE; APOLIPOPROTEIN B-100, FAMILIAL LIGAND-DEFECTIVE. Identifiers: MedGen C1704417, MONDO:0007751, OMIM 144010.
Cardiovascular phenotype. Identifiers: MedGen CN230736.

Allele frequency attached by ClinVar (database versions not stated): gnomAD 0.00003 and 0.00004; TOPMed 0.00003.
gnomAD v4.1: 36 of 1,613,854 alleles (0.0022%); highest among the groups gnomAD compares: African/African-American, 0.0027%; 1 homozygote.

Submissions (3):

Quest Diagnostics Nichols Institute San Juan Capistrano
Classification: Uncertain significance. Last evaluated: 2024-10-22. Review status: criteria provided, single submitter. Criteria: Quest Diagnostics criteria. Collection method: clinical testing. Allele origin: unknown.
Comment: The APOB c.9803C>T (p.Ser3268Leu) variant has not been reported in individuals with APOB-related conditions in the published literature. The frequency of this variant in the general population, 0.000079 (9/113536 chromosomes (Genome Aggregation Database)), is uninformative in the assessment of its pathogenicity. Analysis of this variant using bioinformatics tools for the prediction of the effect of amino acid changes on protein structure and function yielded predictions that this variant is benign. Based on the available information, we are unable to determine the clinical significance of this variant.

Labcorp Genetics (formerly Invitae), Labcorp
Classification: Likely benign for Familial hypobetalipoproteinemia 1; Hypercholesterolemia, autosomal dominant, type B. Last evaluated: 2024-10-07. Review status: criteria provided, single submitter. Criteria: Invitae Variant Classification Sherloc (09022015). Collection method: clinical testing. Allele origin: germline.

Ambry Genetics
Classification: Likely benign for Cardiovascular phenotype. Last evaluated: 2024-05-01. Review status: criteria provided, single submitter. Criteria: Ambry Variant Classification Scheme 2023. Collection method: clinical testing. Allele origin: germline.